The following is an entry in ClinVar:

ClinVar aggregate classification (germline): Uncertain significance (1 of 4 stars; one submission).

Conditions:
Mowat-Wilson syndrome (MOWS). Also called: Classic Mowat-Wilson Syndrome. Identifiers: Orphanet 2152, MedGen C1856113, MONDO:0009341, OMIM 235730.

Allele frequency attached by ClinVar (database versions not stated): gnomAD exomes below 0.00001.
gnomAD v4.1: 6 of 1,610,166 alleles (0.00037%); highest among the groups gnomAD compares: Non-Finnish European, 0.00051%; no homozygotes.

Submission:

Labcorp Genetics (formerly Invitae), Labcorp
Classification: Uncertain significance for Mowat-Wilson syndrome. Last evaluated: 2023-12-09. Review status: criteria provided, single submitter. Criteria: Invitae Variant Classification Sherloc (09022015). Collection method: clinical testing. Allele origin: germline.
Comment: This sequence change replaces isoleucine, which is neutral and non-polar, with valine, which is neutral and non-polar, at codon 1116 of the ZEB2 protein (p.Ile1116Val). This variant is not present in population databases (gnomAD no frequency). This variant has not been reported in the literature in individuals affected with ZEB2-related conditions. Advanced modeling of protein sequence and biophysical properties (such as structural, functional, and spatial information, amino acid conservation, physicochemical variation, residue mobility, and thermodynamic stability) performed at Invitae indicates that this missense variant is not expected to disrupt ZEB2 protein function with a negative predictive value of 80%. In summary, the available evidence is currently insufficient to determine the role of this variant in disease. Therefore, it has been classified as a Variant of Uncertain Significance.

NM_014795.4(ZEB2):c.3346A>G (p.Ile1116Val)

Gene: ZEB2 (zinc finger E-box binding homeobox 2; minus strand). Cytogenetic location: 2q22.3.
Variant type: single nucleotide variant.
Coding change: c.3346A>G on transcript NM_014795.4 (MANE Select); coding-DNA position 3346, A replaced by G.
Protein change: p.Ile1116Val; replaces isoleucine 1116 with valine.
Molecular consequence: missense variant.
Genome position (GRCh38, 1-based): chr2:144,389,750, T>C on the plus strand (A>G on the coding strand, the complement: ZEB2 is on the minus strand). VCF-style: chr2-144389750-T-C. GRCh37 (hg19) VCF-style: chr2-145147317-T-C.
Other names: c.3274A>G, p.Ile1092Val (NM_001171653.2); short protein forms I1116V, I1092V.
Identifiers: ClinVar variation 2731090 (VCV002731090.3), dbSNP rs1703130143, ClinGen allele CA348699553.
Genomic context (GRCh38, chr2:144,389,750, plus strand): 5'-TCTCGCCATCCCTCGGCATACTCTCCCTCTCCTCCGAGTCAGAGTACCCCTGAGGGGTAA[T>C]GCTCTGCAAGTAAGCCCGGTTCATCAGCAGCTCGGTGGGTTCCAAGTGCCCTTTCTCGCG-3'
Protein context (NP_055610.1, residues 1106-1126): LLMNRAYLQS[Ile1116Val]TPQGYSDSEE